The following is an entry in ClinVar:

NM_001032283.3(TMPO):c.565+2407C>T

Gene: TMPO (thymopoietin; plus strand). Cytogenetic location: 12q23.1.
Variant type: single nucleotide variant.
Coding change: c.565+2407C>T on transcript NM_001032283.3 (MANE Select); 2407 bases into the intron after coding-DNA position 565, C replaced by T.
Molecular consequence: intron variant. On other transcripts: missense variant (1).
Genome position (GRCh38, 1-based): chr12:98,534,245, C>T. VCF-style: chr12-98534245-C-T. GRCh37 (hg19) VCF-style: chr12-98928023-C-T.
Other names: c.1988C>T, p.Ala663Val (NM_003276.2); c.565+2407C>T (NM_001307975.2, NM_001032284.3); short protein forms A663V.
Identifiers: ClinVar variation 4744927 (VCV004744927.1).

ClinVar aggregate classification (germline): Uncertain significance (1 of 4 stars; one submission).

Conditions:
Loeys-Dietz syndrome 2 (LDS2). Also called: TGFBR2-Related Loeys-Dietz Syndrome; Marfan syndrome, type 2 (formerly); AORTIC ANEURYSM, FAMILIAL THORACIC 3; MARFAN SYNDROME, TYPE II; Marfan Syndrome type 2; Marfan like connective tissue disorder. Identifiers: Orphanet 284973, Orphanet 558, MedGen C2674574, MONDO:0012427, OMIM 610168.

Submission:

Labcorp Genetics (formerly Invitae), Labcorp
Classification: Uncertain significance for Loeys-Dietz syndrome 2. Last evaluated: 2025-12-09. Review status: criteria provided, single submitter. Criteria: Invitae Variant Classification Sherloc (09022015). Collection method: clinical testing. Allele origin: germline.
Comment: This sequence change replaces alanine, which is neutral and non-polar, with valine, which is neutral and non-polar, at codon 663 of the TMPO protein (p.Ala663Val). This variant is not present in population databases (gnomAD no frequency). This variant has not been reported in the literature in individuals affected with TMPO-related conditions. Invitae Evidence Modeling of protein sequence and biophysical properties (such as structural, functional, and spatial information, amino acid conservation, physicochemical variation, residue mobility, and thermodynamic stability) indicates that this missense variant is not expected to disrupt TMPO protein function with a negative predictive value of 80%. In summary, the available evidence is currently insufficient to determine the role of this variant in disease. Therefore, it has been classified as a Variant of Uncertain Significance.